The following is an entry in ClinVar:

NM_002860.4(ALDH18A1):c.1274G>C (p.Arg425Pro)

Gene: ALDH18A1 (aldehyde dehydrogenase 18 family member A1; minus strand). Cytogenetic location: 10q24.1.
Variant type: single nucleotide variant.
Coding change: c.1274G>C on transcript NM_002860.4 (MANE Select); coding-DNA position 1274, G replaced by C.
Protein change: p.Arg425Pro; replaces arginine 425 with proline.
Molecular consequence: missense variant.
Genome position (GRCh38, 1-based): chr10:95,621,224, C>G on the plus strand (G>C on the coding strand, the complement: ALDH18A1 is on the minus strand). VCF-style: chr10-95621224-C-G. GRCh37 (hg19) VCF-style: chr10-97380981-C-G.
Other names: c.1268G>C, p.Arg423Pro (NM_001017423.2, NM_001323415.2); c.941G>C, p.Arg314Pro (NM_001323412.2, NM_001323416.2); c.1274G>C, p.Arg425Pro (NM_001323413.2, NM_001323414.2); c.1169G>C, p.Arg390Pro (NM_001323417.2); c.935G>C, p.Arg312Pro (NM_001323418.2); c.638G>C, p.Arg213Pro (NM_001323419.2); short protein forms R213P, R312P, R314P, R390P, R423P, R425P.
Identifiers: ClinVar variation 1328692 (VCV001328692.7), dbSNP rs1413173287, ClinGen allele CA377701821.

ClinVar aggregate classification (germline): Uncertain significance. Review status: criteria provided, multiple submitters, no conflicts (2 of 4 stars). 2 submissions from 2 submitters: Uncertain significance (2). Last evaluated 2025-07-28.

Conditions:
Autosomal dominant spastic paraplegia type 9. Identifiers: MedGen C1832669, MONDO:0015091.
de Barsy syndrome. Also called: Cutis laxa-corneal clouding-oligophrenia syndrome. Identifiers: Orphanet 2962, MedGen C0268354, MONDO:0017569.
Cutis laxa, autosomal dominant 3 (ADCL3). Identifiers: Orphanet 90348, MedGen C4225268, MONDO:0014706, OMIM 616603.

Allele frequency attached by ClinVar (database versions not stated): gnomAD 0.00001; TOPMed below 0.00001.
gnomAD v4.1: 3 of 1,613,190 alleles (0.00019%); highest among the groups gnomAD compares: Non-Finnish European, 0.00025%; no homozygotes.

Submissions (2):

Labcorp Genetics (formerly Invitae), Labcorp
Classification: Uncertain significance for Autosomal dominant spastic paraplegia type 9; de Barsy syndrome; Cutis laxa, autosomal dominant 3. Last evaluated: 2025-07-28. Review status: criteria provided, single submitter. Criteria: Invitae Variant Classification Sherloc (09022015). Collection method: clinical testing. Allele origin: germline.
Comment: This sequence change replaces arginine, which is basic and polar, with proline, which is neutral and non-polar, at codon 425 of the ALDH18A1 protein (p.Arg425Pro). This variant is not present in population databases (gnomAD no frequency). This variant has not been reported in the literature in individuals affected with ALDH18A1-related conditions. ClinVar contains an entry for this variant (Variation ID: 1328692). Invitae Evidence Modeling of protein sequence and biophysical properties (such as structural, functional, and spatial information, amino acid conservation, physicochemical variation, residue mobility, and thermodynamic stability) indicates that this missense variant is expected to disrupt ALDH18A1 protein function with a positive predictive value of 80%. This variant disrupts the p.Arg425 amino acid residue in ALDH18A1. Other variant(s) that disrupt this residue have been determined to be pathogenic (PMID: 22411858, 30244529). This suggests that this residue is clinically significant, and that variants that disrupt this residue are likely to be disease-causing. In summary, the available evidence is currently insufficient to determine the role of this variant in disease. Therefore, it has been classified as a Variant of Uncertain Significance.

GeneDx
Classification: Uncertain significance. Last evaluated: 2024-07-11. Review status: criteria provided, single submitter. Criteria: GeneDx Variant Classification Process June 2021. Collection method: clinical testing. Allele origin: germline. Affected: yes.
Comment: Has not been previously published as pathogenic or benign to our knowledge; In silico analysis supports that this missense variant has a deleterious effect on protein structure/function; Not observed at significant frequency in large population cohorts (gnomAD)

Literature cited by the submitters: PubMed 22411858 (cited by Labcorp Genetics (formerly Invitae), Labcorp); PubMed 30244529 (cited by Labcorp Genetics (formerly Invitae), Labcorp).